The following is an entry in ClinVar:

ClinVar aggregate classification (germline): Pathogenic (1 of 4 stars; one submission).

Conditions:
Parathyroid carcinoma (PRTC). Also called: CDC73-Related Parathyroid Carcinoma; Parathyroid gland carcinoma. Identifiers: Orphanet 143, MedGen C0687150, MONDO:0012004, OMIM 608266, HP:0006780.

Submission:

Labcorp Genetics (formerly Invitae), Labcorp
Classification: Pathogenic for Parathyroid carcinoma. Last evaluated: 2019-07-29. Review status: criteria provided, single submitter. Criteria: Invitae Variant Classification Sherloc (09022015). Collection method: clinical testing. Allele origin: germline.
Comment: For these reasons, this variant has been classified as Pathogenic. Loss-of-function variants in CDC73 are known to be pathogenic (PMID: 12434154). This variant has not been reported in the literature in individuals with CDC73-related conditions. This variant is not present in population databases (ExAC no frequency). This sequence change creates a premature translational stop signal (p.Asp3Glyfs*4) in the CDC73 gene. It is expected to result in an absent or disrupted protein product.

Literature cited by the submitters: PubMed 12434154.

NM_024529.5(CDC73):c.7dup (p.Asp3fs)

Gene: CDC73 (cell division cycle 73; plus strand). Cytogenetic location: 1q31.2.
Variant type: Duplication.
Coding change: c.7dup on transcript NM_024529.5 (MANE Select); coding-DNA position 7, one base duplicated (G; older notation c.7dupG).
Protein change: p.Asp3fs; shifts the reading frame from aspartic acid 3.
Molecular consequence: frameshift variant.
Genome position (GRCh38, 1-based): chr1:193,122,207, G duplicated; the last of 2 consecutive G bases (chr1:193,122,206-193,122,207); duplicating either gives the same sequence. VCF-style (leftmost placement, unchanged base first): chr1-193122205-C-CG. GRCh37 (hg19) VCF-style: chr1-193091335-C-CG.
Other names: short protein forms D3fs.
Identifiers: ClinVar variation 939836 (VCV000939836.8), dbSNP rs1675462891, ClinGen allele CA1139656452.